The following is an entry in ClinVar:

NM_001365276.2(TNXB):c.5566A>G (p.Ile1856Val)

Gene: TNXB (tenascin XB; minus strand). Cytogenetic location: 6p21.33.
Variant type: single nucleotide variant.
Coding change: c.5566A>G on transcript NM_001365276.2 (MANE Select); coding-DNA position 5566, A replaced by G.
Protein change: p.Ile1856Val; replaces isoleucine 1856 with valine.
Molecular consequence: missense variant.
Genome position (GRCh38, 1-based): chr6:32,069,574, T>C on the plus strand (A>G on the coding strand, the complement: TNXB is on the minus strand). VCF-style: chr6-32069574-T-C. GRCh37 (hg19) VCF-style: chr6-32037351-T-C.
Other names: c.6307A>G, p.Ile2103Val (NM_001428335.1); c.5566A>G, p.Ile1856Val (NM_019105.8); short protein forms I1856V, I2103V.
Identifiers: ClinVar variation 3459762 (VCV003459762.1).

ClinVar aggregate classification (germline): Uncertain significance (1 of 4 stars; one submission).

Conditions:
Cardiovascular phenotype. Identifiers: MedGen CN230736.

Submission:

Ambry Genetics
Classification: Uncertain significance for Cardiovascular phenotype. Last evaluated: 2024-07-24. Review status: criteria provided, single submitter. Criteria: Ambry Variant Classification Scheme 2023. Collection method: clinical testing. Allele origin: germline.
Comment: The p.I1856V variant (also known as c.5566A>G), located in coding exon 14 of the TNXB gene, results from an A to G substitution at nucleotide position 5566. The isoleucine at codon 1856 is replaced by valine, an amino acid with highly similar properties. This amino acid position is conserved. In addition, this alteration is predicted to be tolerated by in silico analysis. Based on the available evidence, the clinical significance of this variant remains unclear.